The following is an entry in ClinVar:

NM_001367805.3(KIF23):c.1565G>A (p.Arg522Gln)

Gene: KIF23 (kinesin family member 23; plus strand). Cytogenetic location: 15q23.
Variant type: single nucleotide variant.
Coding change: c.1565G>A on transcript NM_001367805.3 (MANE Select); coding-DNA position 1565, G replaced by A.
Protein change: p.Arg522Gln; replaces arginine 522 with glutamine.
Molecular consequence: missense variant. On other transcripts: non-coding transcript variant (2).
Genome position (GRCh38, 1-based): chr15:69,436,690, G>A. VCF-style: chr15-69436690-G-A. GRCh37 (hg19) VCF-style: chr15-69729029-G-A.
Other names: c.1193G>A, p.Arg398Gln (NM_001281301.2); c.1523G>A, p.Arg508Gln (NM_001367804.2, NM_004856.7, NM_138555.4); short protein forms R398Q, R508Q, R522Q.
Identifiers: ClinVar variation 3628735 (VCV003628735.2).

ClinVar aggregate classification (germline): Uncertain significance (1 of 4 stars; one submission).

gnomAD v4.1: 9 of 1,599,556 alleles (0.00056%); highest among the groups gnomAD compares: South Asian, 0.0011%; no homozygotes.

Submission:

Labcorp Genetics (formerly Invitae), Labcorp
Classification: Uncertain significance. Last evaluated: 2024-03-23. Review status: criteria provided, single submitter. Criteria: Invitae Variant Classification Sherloc (09022015). Collection method: clinical testing. Allele origin: germline.
Comment: This sequence change replaces arginine, which is basic and polar, with glutamine, which is neutral and polar, at codon 508 of the KIF23 protein (p.Arg508Gln). The frequency data for this variant in the population databases is considered unreliable, as metrics indicate poor data quality at this position in the gnomAD database. This variant has not been reported in the literature in individuals affected with KIF23-related conditions. Advanced modeling of protein sequence and biophysical properties (such as structural, functional, and spatial information, amino acid conservation, physicochemical variation, residue mobility, and thermodynamic stability) has been performed at Invitae for this missense variant, however the output from this modeling did not meet the statistical confidence thresholds required to predict the impact of this variant on KIF23 protein function. In summary, the available evidence is currently insufficient to determine the role of this variant in disease. Therefore, it has been classified as a Variant of Uncertain Significance.